The following is an entry in ClinVar:

ClinVar aggregate classification (germline): Uncertain significance (1 of 4 stars; one submission).

Conditions:
Nemaline myopathy 10 (NEM10). Identifiers: MedGen C4015360, MONDO:0014513, OMIM 616165.

Allele frequency attached by ClinVar (database versions not stated): gnomAD 0.00001; 1000 Genomes Project 30x 0.00031; 1000 Genomes Project 0.00040.

Submission:

Labcorp Genetics (formerly Invitae), Labcorp
Classification: Uncertain significance for Nemaline myopathy 10. Last evaluated: 2023-05-08. Review status: criteria provided, single submitter. Criteria: Invitae Variant Classification Sherloc (09022015). Collection method: clinical testing. Allele origin: germline.
Comment: This variant has not been reported in the literature in individuals affected with LMOD3-related conditions. This variant is present in population databases (rs536143048, gnomAD 0.03%). This sequence change replaces aspartic acid, which is acidic and polar, with histidine, which is basic and polar, at codon 536 of the LMOD3 protein (p.Asp536His). ClinVar contains an entry for this variant (Variation ID: 852051). In summary, the available evidence is currently insufficient to determine the role of this variant in disease. Therefore, it has been classified as a Variant of Uncertain Significance. An algorithm developed to predict the effect of missense changes on protein structure and function (PolyPhen-2) suggests that this variant is likely to be disruptive.

NM_198271.5(LMOD3):c.1606G>C (p.Asp536His)

Gene: LMOD3 (leiomodin 3; minus strand). Cytogenetic location: 3p14.1.
Variant type: single nucleotide variant.
Coding change: c.1606G>C on transcript NM_198271.5 (MANE Select); coding-DNA position 1606, G replaced by C.
Protein change: p.Asp536His; replaces aspartic acid 536 with histidine.
Molecular consequence: missense variant.
Genome position (GRCh38, 1-based): chr3:69,118,749, C>G on the plus strand (G>C on the coding strand, the complement: LMOD3 is on the minus strand). VCF-style: chr3-69118749-C-G. GRCh37 (hg19) VCF-style: chr3-69167900-C-G.
Other names: c.1606G>C, p.Asp536His (NM_001304418.3); short protein forms D536H.
Identifiers: ClinVar variation 852051 (VCV000852051.5), dbSNP rs536143048, ClinGen allele CA2488724.